The following is an entry in ClinVar:

ClinVar aggregate classification (germline): Benign. Review status: criteria provided, multiple submitters, no conflicts (2 of 4 stars). 6 submissions from 6 submitters: Benign (5). 1 of the submissions does not count toward it. Last evaluated 2020-01-06.

Conditions:
RNF135-related disorder. Also called: RNF135-related condition.

Allele frequency attached by ClinVar (database versions not stated): ExAC 0.00202; ESP Exome Variant Server 0.00612; 1000 Genomes Project 30x 0.00750; 1000 Genomes Project 0.00759; gnomAD exomes 0.01243 and 0.01985; TOPMed 0.01384; gnomAD 0.01435 and 0.01483.
gnomAD v4.1: 29,091 of 1,516,774 alleles (1.9%); highest among the groups gnomAD compares: Non-Finnish European, 2.3%; 351 homozygotes.

Submissions (6):

GeneDx
Classification: Benign. Last evaluated: 2020-01-06. Review status: criteria provided, single submitter. Criteria: GeneDx Variant Classification Process June 2021. Collection method: clinical testing. Allele origin: germline. Affected: yes.
Comment: This variant is associated with the following publications: (PMID: 26368817)

Labcorp Genetics (formerly Invitae), Labcorp
Classification: Benign. Last evaluated: 2019-12-31. Review status: criteria provided, single submitter. Criteria: Invitae Variant Classification Sherloc (09022015). Collection method: clinical testing. Allele origin: germline.

Genetic Services Laboratory, University of Chicago
Classification: Benign. Last evaluated: 2017-07-28. Review status: criteria provided, single submitter. Criteria: ACMG Guidelines, 2015. Collection method: clinical testing. Allele origin: germline. Affected: no.

Eurofins Ntd Llc (ga)
Classification: Benign. Last evaluated: 2017-03-23. Review status: criteria provided, single submitter. Criteria: EGL Classification Definitions 2015. Collection method: clinical testing. Allele origin: germline. Observed: 1 variant allele, 1 heterozygote.

Breakthrough Genomics
Classification: Benign. Review status: criteria provided, single submitter. Criteria: ACMG Guidelines, 2015. Collection method: not provided. Allele origin: germline. Inheritance: Unknown mechanism. Affected: yes.

PreventionGenetics, part of Exact Sciences
Classification: Benign for RNF135-related condition. Last evaluated: 2019-04-13. Review status: no assertion criteria provided. Collection method: clinical testing. Allele origin: germline. Not counted in ClinVar's aggregate classification.
Comment: This variant is classified as benign based on ACMG/AMP sequence variant interpretation guidelines (Richards et al. 2015 PMID: 25741868, with internal and published modifications).

NM_032322.4(RNF135):c.344G>A (p.Arg115Lys)

Gene: RNF135 (ring finger protein 135; plus strand). Cytogenetic location: 17q11.2.
Variant type: single nucleotide variant.
Coding change: c.344G>A on transcript NM_032322.4 (MANE Select); coding-DNA position 344, G replaced by A.
Protein change: p.Arg115Lys; replaces arginine 115 with lysine.
Molecular consequence: missense variant.
Genome position (GRCh38, 1-based): chr17:30,971,417, G>A. VCF-style: chr17-30971417-G-A. GRCh37 (hg19) VCF-style: chr17-29298435-G-A.
Other names: c.344G>A, p.Arg115Lys (NM_001184992.2, NM_197939.2); short protein forms R115K.
Identifiers: ClinVar variation 436548 (VCV000436548.20), dbSNP rs111902263, ClinGen allele CA8485158.